The following is an entry in ClinVar:

ClinVar aggregate classification (germline): Likely benign (1 of 4 stars; one submission).

Conditions:
Birt-Hogg-Dube syndrome 1 (BHD1). Also called: FIBROFOLLICULOMAS WITH TRICHODISCOMAS AND ACROCHORDONS. Identifiers: Orphanet 122, MedGen CN375946, MONDO:0800445, OMIM 135150.

Submission:

Myriad Genetics, Inc.
Classification: Likely benign for Birt-Hogg-Dube syndrome 1. Last evaluated: 2024-10-24. Review status: criteria provided, single submitter. Criteria: Myriad Autosomal Dominant, Autosomal Recessive and X-Linked Classification Criteria (2023). Collection method: clinical testing. Allele origin: unknown.
Comment: This variant is considered likely benign. This variant is intronic and is not expected to impact mRNA splicing.

NM_144997.7(FLCN):c.1177-8C>T

Gene: FLCN (folliculin; minus strand). Cytogenetic location: 17p11.2.
Variant type: single nucleotide variant.
Coding change: c.1177-8C>T on transcript NM_144997.7 (MANE Select); 8 bases into the intron before coding-DNA position 1177, C replaced by T.
Molecular consequence: intron variant.
Genome position (GRCh38, 1-based): chr17:17,216,511, G>A on the plus strand (C>T on the coding strand, the complement: FLCN is on the minus strand). VCF-style: chr17-17216511-G-A. GRCh37 (hg19) VCF-style: chr17-17119825-G-A.
Other names: c.1177-8C>T (NM_001353231.2, NM_001353230.2); c.1231-8C>T (NM_001353229.2).
Identifiers: ClinVar variation 3773482 (VCV003773482.1).
Genomic context (GRCh38, chr17:17,216,511, plus strand): 5'-TCGTACTGGCTGCTGTATGGGATGATGCGGACGCAGCCCACGGGAAGCATGGTCTGAGGA[G>A]GACAGCAGGACTCAGACCAAGGACACGAGGAAGCCCTCAGCCCCGGCCATCCATGCTCTA-3'